The following is an entry in ClinVar:

NM_001267550.2(TTN):c.49578G>A (p.Leu16526=)

Genes: TTN (titin; minus strand), TTN-AS1 (TTN antisense RNA 1; plus strand). Cytogenetic location: 2q31.2.
Variant type: single nucleotide variant.
Coding change: c.49578G>A on transcript NM_001267550.2 (MANE Select); coding-DNA position 49578, G replaced by A.
Protein change: p.Leu16526=; no amino-acid change (leucine 16526 retained).
Molecular consequence: synonymous variant.
Genome position (GRCh38, 1-based): chr2:178,613,231, C>T on the plus strand (G>A on the coding strand, the complement: TTN is on the minus strand). VCF-style: chr2-178613231-C-T. GRCh37 (hg19) VCF-style: chr2-179477958-C-T.
Other names: c.44655G>A, p.Leu14885= (NM_001256850.1); c.22383G>A, p.Leu7461= (NM_003319.4); c.41874G>A, p.Leu13958= (NM_133378.4); c.22758G>A, p.Leu7586= (NM_133432.3); c.22959G>A, p.Leu7653= (NM_133437.4).
Identifiers: ClinVar variation 3029961 (VCV003029961.2), dbSNP rs2056674695, ClinGen allele CA430103855.

ClinVar aggregate classification (germline): Likely benign (0 of 4 stars; one submission).

Conditions:
TTN-related disorder. Also called: TTN-related condition; TTN-related disease; TTN-related disorders.

Allele frequency attached by ClinVar (database versions not stated): gnomAD exomes below 0.00001.
gnomAD v4.1: 5 of 1,611,462 alleles (0.00031%); highest among the groups gnomAD compares: Non-Finnish European, 0.00034%; no homozygotes.

Submission:

PreventionGenetics, part of Exact Sciences
Classification: Likely benign for TTN-related condition. Last evaluated: 2022-12-12. Review status: no assertion criteria provided. Collection method: clinical testing. Allele origin: germline.
Comment: This variant is classified as likely benign based on ACMG/AMP sequence variant interpretation guidelines (Richards et al. 2015 PMID: 25741868, with internal and published modifications).